The following is an entry in ClinVar:

NM_004168.4(SDHA):c.1930_1932delinsATA (p.Val644Ile)

Gene: SDHA (succinate dehydrogenase complex flavoprotein subunit A; plus strand). Cytogenetic location: 5p15.33.
Variant type: Indel.
Coding change: c.1930_1932delinsATA on transcript NM_004168.4 (MANE Select); coding-DNA positions 1930 to 1932, GTG replaced by ATA.
Protein change: p.Val644Ile; replaces valine 644 with isoleucine.
Molecular consequence: missense variant.
Genome position (GRCh38, 1-based): chr5:256,355-256,357, GTG replaced by ATA. VCF-style: chr5-256355-GTG-ATA. GRCh37 (hg19) VCF-style: chr5-256470-GTG-ATA.
Other names: c.1786_1788delinsATA, p.Val596Ile (NM_001294332.2); c.1687_1689delinsATA, p.Val563Ile (NM_001330758.2); short protein forms V563I, V596I, V644I.
Identifiers: ClinVar variation 1804293 (VCV001804293.1), dbSNP rs2477489029, ClinGen allele CA2580073142.

ClinVar aggregate classification (germline): Uncertain significance (1 of 4 stars; one submission).

Submission:

GeneDx
Classification: Uncertain significance. Last evaluated: 2022-06-13. Review status: criteria provided, single submitter. Criteria: GeneDx Variant Classification Process June 2021. Collection method: clinical testing. Allele origin: germline. Affected: yes.
Comment: In silico analysis supports that this variant does not alter protein structure/function; Has not been previously published as pathogenic or benign to our knowledge